The following is an entry in ClinVar:

ClinVar aggregate classification (germline): Uncertain significance (1 of 4 stars; one submission).

Conditions:
GLUT1 deficiency syndrome 1, autosomal recessive. Identifiers: MedGen C3149117.

Submission:

Labcorp Genetics (formerly Invitae), Labcorp
Classification: Uncertain significance for GLUT1 deficiency syndrome 1, autosomal recessive. Last evaluated: 2022-10-13. Review status: criteria provided, single submitter. Criteria: Invitae Variant Classification Sherloc (09022015). Collection method: clinical testing. Allele origin: germline.
Comment: In summary, the available evidence is currently insufficient to determine the role of this variant in disease. Therefore, it has been classified as a Variant of Uncertain Significance. Advanced modeling of protein sequence and biophysical properties (such as structural, functional, and spatial information, amino acid conservation, physicochemical variation, residue mobility, and thermodynamic stability) has been performed at Invitae for this missense variant, however the output from this modeling did not meet the statistical confidence thresholds required to predict the impact of this variant on SLC2A1 protein function. ClinVar contains an entry for this variant (Variation ID: 1400226). This variant has not been reported in the literature in individuals affected with SLC2A1-related conditions. This variant is not present in population databases (gnomAD no frequency). This sequence change replaces threonine, which is neutral and polar, with isoleucine, which is neutral and non-polar, at codon 448 of the SLC2A1 protein (p.Thr448Ile).

NM_006516.4(SLC2A1):c.1343C>T (p.Thr448Ile)

Gene: SLC2A1 (solute carrier family 2 member 1; minus strand). Cytogenetic location: 1p34.2.
Variant type: single nucleotide variant.
Coding change: c.1343C>T on transcript NM_006516.4 (MANE Select); coding-DNA position 1343, C replaced by T.
Protein change: p.Thr448Ile; replaces threonine 448 with isoleucine.
Molecular consequence: missense variant.
Genome position (GRCh38, 1-based): chr1:42,927,177, G>A on the plus strand (C>T on the coding strand, the complement: SLC2A1 is on the minus strand). VCF-style: chr1-42927177-G-A. GRCh37 (hg19) VCF-style: chr1-43392848-G-A.
Other names: short protein forms T448I.
Identifiers: ClinVar variation 1400226 (VCV001400226.8), dbSNP rs2124445545, ClinGen allele CA339953274.